The following is an entry in ClinVar:

NM_001855.5(COL15A1):c.3402+10A>G

Gene: COL15A1 (collagen type XV alpha 1 chain; plus strand). Cytogenetic location: 9q22.33.
Variant type: single nucleotide variant.
Coding change: c.3402+10A>G on transcript NM_001855.5 (MANE Select); 10 bases into the intron after coding-DNA position 3402, A replaced by G.
Molecular consequence: intron variant.
Genome position (GRCh38, 1-based): chr9:99,059,963, A>G. VCF-style: chr9-99059963-A-G. GRCh37 (hg19) VCF-style: chr9-101822245-A-G.
Identifiers: ClinVar variation 3041091 (VCV003041091.2), dbSNP rs372934241, ClinGen allele CA5155854.
Genomic context (GRCh38, chr9:99,059,963, plus strand): 5'-GGTCCCCCTGGCCCTCCAGGACAGCCAGGGCTTCCCGGATCCAGAAACCTGGTCAGTATT[A>G]TCATCAGTGTGTAGTCATCATTCCATTTGGGATAGATATACTTAAAACTCTGCCTACGAT-3'

ClinVar aggregate classification (germline): Likely benign (0 of 4 stars; one submission).

Conditions:
COL15A1-related disorder. Also called: COL15A1-related condition.

Allele frequency attached by ClinVar (database versions not stated): gnomAD exomes 0.00003; ExAC 0.00015; gnomAD 0.00033; TOPMed 0.00038; ESP Exome Variant Server 0.00046.
gnomAD v4.1: 95 of 1,613,498 alleles (0.0059%); highest among the groups gnomAD compares: African/African-American, 0.11%; no homozygotes.

Submission:

PreventionGenetics, part of Exact Sciences
Classification: Likely benign for COL15A1-related condition. Last evaluated: 2019-09-18. Review status: no assertion criteria provided. Collection method: clinical testing. Allele origin: germline.
Comment: This variant is classified as likely benign based on ACMG/AMP sequence variant interpretation guidelines (Richards et al. 2015 PMID: 25741868, with internal and published modifications).